The following is an entry in ClinVar:

NM_017763.6(RNF43):c.48G>C (p.Leu16=)

Gene: RNF43 (ring finger protein 43; minus strand). Cytogenetic location: 17q22.
Variant type: single nucleotide variant.
Coding change: c.48G>C on transcript NM_017763.6 (MANE Select); coding-DNA position 48, G replaced by C.
Protein change: p.Leu16=; no amino-acid change (leucine 16 retained).
Molecular consequence: synonymous variant.
Genome position (GRCh38, 1-based): chr17:58,415,530, C>G on the plus strand (G>C on the coding strand, the complement: RNF43 is on the minus strand). VCF-style: chr17-58415530-C-G. GRCh37 (hg19) VCF-style: chr17-56492891-C-G.
Other names: c.48G>C, p.Leu16= (NM_001305544.3).
Identifiers: ClinVar variation 1139777 (VCV001139777.11), dbSNP rs923906868, ClinGen allele CA292038012.

ClinVar aggregate classification (germline): Benign/Likely benign. Review status: criteria provided, multiple submitters, no conflicts (2 of 4 stars). 3 submissions from 3 submitters: Benign (1); Likely benign (2). Last evaluated 2026-06-29.

Conditions:
Sessile serrated polyposis cancer syndrome (SSPCS). Identifiers: Orphanet 157798, MedGen C4310714, MONDO:0014919, OMIM 617108.

Allele frequency attached by ClinVar (database versions not stated): gnomAD exomes below 0.00001.
gnomAD v4.1: 7 of 1,611,504 alleles (0.00043%); highest among the groups gnomAD compares: Non-Finnish European, 0.000085%; no homozygotes.

Submissions (3):

Myriad Genetics, Inc.
Classification: Benign for Sessile serrated polyposis cancer syndrome. Last evaluated: 2026-06-29. Review status: criteria provided, single submitter. Criteria: Myriad Autosomal Dominant, Autosomal Recessive and X-Linked Classification Criteria (2023). Collection method: clinical testing. Allele origin: unknown.
Comment: This variant is considered benign. This variant is a silent/synonymous amino acid change and it is not expected to impact splicing.

Labcorp Genetics (formerly Invitae), Labcorp
Classification: Likely benign. Last evaluated: 2025-10-06. Review status: criteria provided, single submitter. Criteria: Invitae Variant Classification Sherloc (09022015). Collection method: clinical testing. Allele origin: germline.

Ambry Genetics
Classification: Likely benign. Last evaluated: 2024-11-23. Review status: criteria provided, single submitter. Criteria: Ambry Variant Classification Scheme 2023. Collection method: clinical testing. Allele origin: germline.